The following is an entry in ClinVar:

NM_000254.3(MTR):c.901C>G (p.Pro301Ala)

Gene: MTR (5-methyltetrahydrofolate-homocysteine methyltransferase; plus strand). Cytogenetic location: 1q43.
Variant type: single nucleotide variant.
Coding change: c.901C>G on transcript NM_000254.3 (MANE Select); coding-DNA position 901, C replaced by G.
Protein change: p.Pro301Ala; replaces proline 301 with alanine.
Molecular consequence: missense variant. On other transcripts: 5 prime UTR variant (1).
Genome position (GRCh38, 1-based): chr1:236,825,373, C>G. VCF-style: chr1-236825373-C-G. GRCh37 (hg19) VCF-style: chr1-236988673-C-G.
Other names: c.901C>G, p.Pro301Ala (NM_001291939.1); c.-208C>G (NM_001291940.2); short protein forms P301A.
Identifiers: ClinVar variation 452126 (VCV000452126.7), dbSNP rs766371534, ClinGen allele CA1473922.
Genomic context (GRCh38, chr1:236,825,373, plus strand): 5'-TAATGGTTGAATTATCCTTTCTCAGGTCTTCCCAACACCTTTGGTGACTATGATGAAACG[C>G]CTTCTATGATGGCCAAGCACCTAAAGGTCAGGGGTCCCCCTTTCACTGGCTTTTTAAGAG-3'
Protein context (NP_000245.2, residues 291-311): PNTFGDYDET[Pro301Ala]SMMAKHLKDF

ClinVar aggregate classification (germline): Uncertain significance. Review status: criteria provided, multiple submitters, no conflicts (2 of 4 stars). 2 submissions from 2 submitters: Uncertain significance (2). Last evaluated 2022-03-12.

Conditions:
Methylcobalamin deficiency type cblG (HMAG). Also called: HOMOCYSTINURIA-MEGALOBLASTIC ANEMIA, cblG TYPE; HOMOCYSTINURIA-MEGALOBLASTIC ANEMIA, cblG COMPLEMENTATION TYPE; Functional methionine synthase deficiency type cblG; HOMOCYSTINURIA-MEGALOBLASTIC ANEMIA DUE TO DEFECT IN COBALAMIN METABOLISM, cblG COMPLEMENTATION TYPE. Identifiers: Orphanet 2170, Orphanet 622, MedGen C1855128, MONDO:0009609, OMIM 250940.

Allele frequency attached by ClinVar (database versions not stated): gnomAD 0.00006; TOPMed 0.00006.
gnomAD v4.1: 83 of 1,613,634 alleles (0.0051%); highest among the groups gnomAD compares: Non-Finnish European, 0.007%; no homozygotes.

Submissions (2):

Labcorp Genetics (formerly Invitae), Labcorp
Classification: Uncertain significance for Methylcobalamin deficiency type cblG. Last evaluated: 2022-03-12. Review status: criteria provided, single submitter. Criteria: Invitae Variant Classification Sherloc (09022015). Collection method: clinical testing. Allele origin: germline.
Comment: This sequence change replaces proline, which is neutral and non-polar, with alanine, which is neutral and non-polar, at codon 301 of the MTR protein (p.Pro301Ala). This variant is present in population databases (rs766371534, gnomAD 0.009%). This variant has not been reported in the literature in individuals affected with MTR-related conditions. ClinVar contains an entry for this variant (Variation ID: 452126). Algorithms developed to predict the effect of missense changes on protein structure and function are either unavailable or do not agree on the potential impact of this missense change (SIFT: "Deleterious"; PolyPhen-2: "Probably Damaging"; Align-GVGD: "Class C0"). In summary, the available evidence is currently insufficient to determine the role of this variant in disease. Therefore, it has been classified as a Variant of Uncertain Significance.

GeneDx
Classification: Uncertain significance. Last evaluated: 2017-09-15. Review status: criteria provided, single submitter. Criteria: GeneDx Variant Classification (06012015). Collection method: clinical testing. Allele origin: germline. Affected: yes.
Comment: A variant of uncertain significance has been identified in the MTR gene. The P301A variant has not been published as a pathogenic variant, nor has it been reported as a benign variant to our knowledge. The P301A variant is observed in 7/66738 (0.01%) alleles from individuals of non-Finnish Eropean background (Lek et al., 2016; 1000 Genomes Consortium et al., 2015; Exome Variant Server). The P301A variant is a semi-conservative amino acid substitution, which may impact secondary protein structure as these residues differ in some properties. This substitution occurs at a position that is conserved across species. In silico analysis predicts this variant is probably damaging to the protein structure/function. Based on the currently available information, it is unclear whether this variant is a pathogenic variant or a rare benign variant.